The following is an entry in ClinVar:

NM_000182.5(HADHA):c.1788G>A (p.Ala596=)

Genes: HADHA (hydroxyacyl-CoA dehydrogenase trifunctional multienzyme complex subunit alpha; minus strand), GAREM2 (GRB2 associated regulator of MAPK1 subtype 2; plus strand). Cytogenetic location: 2p23.3.
Variant type: single nucleotide variant.
Coding change: c.1788G>A on transcript NM_000182.5 (MANE Select); coding-DNA position 1788, G replaced by A.
Protein change: p.Ala596=; no amino-acid change (alanine 596 retained).
Molecular consequence: synonymous variant.
Genome position (GRCh38, 1-based): chr2:26,193,674, C>T on the plus strand (G>A on the coding strand, the complement: HADHA is on the minus strand). VCF-style: chr2-26193674-C-T. GRCh37 (hg19) VCF-style: chr2-26416543-C-T.
Identifiers: ClinVar variation 389019 (VCV000389019.15), dbSNP rs190409957, ClinGen allele CA1559458.

ClinVar aggregate classification (germline): Conflicting classifications of pathogenicity. Review status: criteria provided, conflicting classifications (1 of 4 stars). 4 submissions from 3 submitters: Uncertain significance (2); Likely benign (2). Last evaluated 2026-01-28.

Conditions:
Long chain 3-hydroxyacyl-CoA dehydrogenase deficiency. Also called: Deficiency of long-chain 3-hydroxyacyl-coenzyme A dehydrogenase; LCHAD Deficiency. Identifiers: Orphanet 5, MedGen C3711645, MONDO:0012173, OMIM 609016.
Mitochondrial trifunctional protein deficiency. Identifiers: Orphanet 746, MedGen C1969443, MONDO:0012172.

Allele frequency attached by ClinVar (database versions not stated): gnomAD 0.00004 and 0.00005; gnomAD exomes 0.00006 and 0.00008; TOPMed 0.00006; ExAC 0.00011; 1000 Genomes Project 30x 0.00016; 1000 Genomes Project 0.00020.
gnomAD v4.1: 93 of 1,614,014 alleles (0.0058%); highest among the groups gnomAD compares: East Asian, 0.085%; no homozygotes.

Submissions (4):

Labcorp Genetics (formerly Invitae), Labcorp
Classification: Likely benign for Mitochondrial trifunctional protein deficiency; Long chain 3-hydroxyacyl-CoA dehydrogenase deficiency. Last evaluated: 2026-01-28. Review status: criteria provided, single submitter. Criteria: Invitae Variant Classification Sherloc (09022015). Collection method: clinical testing. Allele origin: germline.

Illumina Laboratory Services, Illumina
Classification: Uncertain significance for Long chain 3-hydroxyacyl-CoA dehydrogenase deficiency. Last evaluated: 2018-01-12. Review status: criteria provided, single submitter. Criteria: ICSL Variant Classification Criteria 13 December 2019. Collection method: clinical testing. Allele origin: germline.

Illumina Laboratory Services, Illumina
Classification: Uncertain significance for Mitochondrial trifunctional protein deficiency 1. Last evaluated: 2018-01-12. Review status: criteria provided, single submitter. Criteria: ICSL Variant Classification Criteria 13 December 2019. Collection method: clinical testing. Allele origin: germline.

GeneDx
Classification: Likely benign. Last evaluated: 2016-09-09. Review status: criteria provided, single submitter. Criteria: GeneDx Variant Classification (06012015). Collection method: clinical testing. Allele origin: germline. Affected: yes.
Comment: This variant is considered likely benign or benign based on one or more of the following criteria: it is a conservative change, it occurs at a poorly conserved position in the protein, it is predicted to be benign by multiple in silico algorithms, and/or has population frequency not consistent with disease.